The following is an entry in ClinVar:

NM_033056.4(PCDH15):c.5755T>A (p.Cys1919Ser)

Gene: PCDH15 (protocadherin related 15; minus strand). Cytogenetic location: 10q21.1.
Variant type: single nucleotide variant.
Coding change: c.5755T>A on transcript NM_033056.4 (MANE Plus Clinical); coding-DNA position 5755, T replaced by A.
Protein change: p.Cys1919Ser; replaces cysteine 1919 with serine.
Molecular consequence: missense variant. On other transcripts: intron variant (8).
Genome position (GRCh38, 1-based): chr10:53,821,971, A>T on the plus strand (T>A on the coding strand, the complement: PCDH15 is on the minus strand). VCF-style: chr10-53821971-A-T. GRCh37 (hg19) VCF-style: chr10-55581731-A-T.
Other names: c.5776T>A, p.Cys1926Ser (NM_001142763.2); c.5761T>A, p.Cys1921Ser (NM_001142764.2); c.5548T>A, p.Cys1850Ser (NM_001142765.2); c.5746T>A, p.Cys1916Ser (NM_001142766.2); c.5635T>A, p.Cys1879Ser (NM_001142767.2); c.5695T>A, p.Cys1899Ser (NM_001142768.2); c.5686T>A, p.Cys1896Ser (NM_001142773.2); c.5689T>A, p.Cys1897Ser (NM_001354404.2); and 7 more; short protein forms C1850S, C1879S, C1896S, C1921S, C1897S, C1899S, C1926S, C1916S.
Identifiers: ClinVar variation 957615 (VCV000957615.8), dbSNP rs376353049, ClinGen allele CA5504964.

ClinVar aggregate classification (germline): Uncertain significance. Review status: criteria provided, multiple submitters, no conflicts (2 of 4 stars). 3 submissions from 3 submitters: Uncertain significance (2). 1 of the submissions does not count toward it. Last evaluated 2026-06-16.

Conditions:
PCDH15-related disorder. Also called: PCDH15-related condition; PCDH15-related disorders.
Usher syndrome type 1F (USH1F). Also called: USHER SYNDROME, TYPE IF. Identifiers: Orphanet 231169, Orphanet 886, MedGen C1865885, MONDO:0011186, OMIM 602083.

Allele frequency attached by ClinVar (database versions not stated): ExAC 0.00002; gnomAD exomes 0.00003 and 0.00001; ESP Exome Variant Server 0.00015; gnomAD 0.00003; TOPMed 0.00005.
gnomAD v4.1: 42 of 1,613,830 alleles (0.0026%); highest among the groups gnomAD compares: Non-Finnish European, 0.0034%; no homozygotes.

Submissions (3):

PreventionGenetics, part of Exact Sciences
Classification: Uncertain significance for PCDH15-related condition. Last evaluated: 2026-06-16. Review status: criteria provided, single submitter. Criteria: ACMG Guidelines, 2015. Collection method: clinical testing. Allele origin: germline.
Comment: The PCDH15 c.5755T>A variant is predicted to result in the amino acid substitution p.Cys1919Ser. To our knowledge, this variant has not been reported in the literature. This variant is reported in 0.0026% of alleles in individuals of European (Non-Finnish) descent in gnomAD. At this time, the clinical significance of this variant is uncertain due to the absence of conclusive functional and genetic evidence.

Labcorp Genetics (formerly Invitae), Labcorp
Classification: Uncertain significance. Last evaluated: 2026-01-12. Review status: criteria provided, single submitter. Criteria: Invitae Variant Classification Sherloc (09022015). Collection method: clinical testing. Allele origin: germline.
Comment: This sequence change replaces cysteine, which is neutral and slightly polar, with serine, which is neutral and polar, at codon 1919 of the PCDH15 protein (p.Cys1919Ser). This variant is present in population databases (rs376353049, gnomAD 0.003%). This variant has not been reported in the literature in individuals affected with PCDH15-related conditions. ClinVar contains an entry for this variant (Variation ID: 957615). Invitae Evidence Modeling of protein sequence and biophysical properties (such as structural, functional, and spatial information, amino acid conservation, physicochemical variation, residue mobility, and thermodynamic stability) indicates that this missense variant is not expected to disrupt PCDH15 protein function with a negative predictive value of 95%. In summary, the available evidence is currently insufficient to determine the role of this variant in disease. Therefore, it has been classified as a Variant of Uncertain Significance.

Natera, Inc.
Classification: Uncertain significance for Usher syndrome type 1F. Last evaluated: 2020-04-13. Review status: no assertion criteria provided. Collection method: clinical testing. Allele origin: germline. Not counted in ClinVar's aggregate classification.